The following is an entry in ClinVar:

ClinVar aggregate classification (germline): Likely pathogenic (1 of 4 stars; one submission).

Conditions:
Autosomal recessive nonsyndromic hearing loss 9. Also called: NEUROSENSORY NONSYNDROMIC RECESSIVE DEAFNESS 9; OTOF-Related Hearing Loss; Deafness, autosomal recessive 9; AUDITORY NEUROPATHY, AUTOSOMAL RECESSIVE, 1, TEMPERATURE-SENSITIVE. Identifiers: Orphanet 90636, MedGen C1832828, MONDO:0010986, OMIM 601071.

Submission:

Institute of Rare Diseases, West China Hospital, Sichuan University
Classification: Likely pathogenic for Autosomal recessive nonsyndromic hearing loss 9. Last evaluated: 2025-01-09. Review status: criteria provided, single submitter. Criteria: ClinGen HL ACMG Specifications v1. Collection method: research. Allele origin: germline. Affected: yes.
Comment: PVS1;PM2_Supporting

NM_194248.3(OTOF):c.5380del (p.Leu1794fs)

Gene: OTOF (otoferlin; minus strand). Cytogenetic location: 2p23.3.
Variant type: Deletion.
Coding change: c.5380del on transcript NM_194248.3 (MANE Select); coding-DNA position 5380, one base deleted (C; older notation c.5380delC).
Protein change: p.Leu1794fs; shifts the reading frame from leucine 1794.
Molecular consequence: frameshift variant.
Genome position (GRCh38, 1-based): chr2:26,461,849, G deleted on the plus strand (C on the coding strand, the reverse complement: OTOF is on the minus strand); the first of 2 consecutive G bases (chr2:26,461,849-26,461,850); deleting either gives the same sequence. VCF-style (leftmost placement, unchanged base first): chr2-26461848-AG-A. GRCh37 (hg19) VCF-style: chr2-26684716-AG-A.
Other names: c.5380del, p.Leu1794fs (NM_001287489.2); c.3079del, p.Leu1027fs (NM_004802.4, NM_194323.3); c.3310del, p.Leu1104fs (NM_194322.3); short protein forms L1027fs, L1104fs, L1794fs.
Identifiers: ClinVar variation 3601553 (VCV003601553.1).